The following is an entry in ClinVar:

NM_017534.6(MYH2):c.2790G>C (p.Glu930Asp)

Genes: MYHAS (myosin heavy chain gene cluster antisense RNA; plus strand), MYH2 (myosin heavy chain 2; minus strand). Cytogenetic location: 17p13.1.
Variant type: single nucleotide variant.
Coding change: c.2790G>C on transcript NM_017534.6 (MANE Select); coding-DNA position 2790, G replaced by C.
Protein change: p.Glu930Asp; replaces glutamic acid 930 with aspartic acid.
Molecular consequence: missense variant.
Genome position (GRCh38, 1-based): chr17:10,529,982, C>G on the plus strand (G>C on the coding strand, the complement: MYH2 is on the minus strand). VCF-style: chr17-10529982-C-G. GRCh37 (hg19) VCF-style: chr17-10433299-C-G.
Other names: c.2790G>C, p.Glu930Asp (NM_001100112.2); short protein forms E930D.
Identifiers: ClinVar variation 3377383 (VCV003377383.1).
Genomic context (GRCh38, chr17:10,529,982, plus strand): 5'-CTCCAGTTTCCTCTTCTTGGCTGTCAGCTCAGCATTGATCTCTTCCTCATCCTCAGCTCT[C>G]TCAGTCACCTCTTTGATTTTGGCTTCTAGCTGGATTTTGGTTTTGATTAGCTGGTCACAC-3'
Protein context (NP_060004.3, residues 920-940): QLEAKIKEVT[Glu930Asp]RAEDEEEINA

ClinVar aggregate classification (germline): Uncertain significance (1 of 4 stars; one submission).

Conditions:
Myopathy, proximal, and ophthalmoplegia (CMYO6). Also called: MYOPATHY WITH CONGENITAL JOINT CONTRACTURES, OPHTHALMOPLEGIA, AND RIMMED VACUOLES; CONGENITAL MYOPATHY 6 WITH OPHTHALMOPLEGIA; INCLUSION BODY MYOPATHY 3, AUTOSOMAL DOMINANT. Identifiers: Orphanet 363677, Orphanet 79091, MedGen C1854106, MONDO:0011577, OMIM 605637.

gnomAD v4.1: 1 of 1,614,042 alleles (0.000062%); highest among the groups gnomAD compares: South Asian, 0.0011%; no homozygotes.

Submission:

Victorian Clinical Genetics Services, Murdoch Childrens Research Institute
Classification: Uncertain significance for Myopathy, proximal, and ophthalmoplegia. Last evaluated: 2022-03-31. Review status: criteria provided, single submitter. Criteria: ACMG Guidelines, 2015. Collection method: clinical testing. Allele origin: germline. Affected: yes.
Comment: Based on the classification scheme VCGS_Germline_v1.3.4, this variant is classified as VUS-3B. Following criteria are met: 0102 - Loss of function is a known mechanism of disease in this gene and is associated with proximal myopathy and ophthalmoplegia (MIM#605637). Dominant negative is a suspected mechanism for dominant disease, however, more functional studies are required (PMIDs: 11114175, 20418530). (I) 0108 - This gene is associated with both recessive and dominant disease. Proximal myopathy and ophthalmoplegia (MIM#605637) is predominantly caused by biallelic variants, with rare reports of monoallelic missense variants causing disease (OMIM, PMID: 20418530). (I) 0200 - Variant is predicted to result in a missense amino acid change from glutamic acid to aspartic acid. (I) 0251 - This variant is heterozygous. (I) 0301 - Variant is absent from gnomAD (both v2 and v3). (SP) 0309 - An alternative amino acid change at the same position has been observed in gnomAD (v3) (1 heterozygote, 0 homozygotes). (I) 0502 - Missense variant with conflicting in silico predictions and high conservation. (I) 0600 - Variant is located in the annotated coiled coil domain (DECIPHER). (I) 0710 - Another missense variant comparable to the one identified in this case has inconclusive previous evidence for pathogenicity. p.(Glu930Gly) has been reported once as a VUS by a clinical laboratory in ClinVar. (I) 0807 - This variant has no previous evidence of pathogenicity. (I) 0905 - No published segregation evidence has been identified for this variant. (I) 1007 - No published functional evidence has been identified for this variant. (I) 1208 - Inheritance information for this variant is not currently available in this individual. (I) Legend: (SP) - Supporting pathogenic, (I) - Information, (SB) - Supporting benign

Literature cited by the submitters: PubMed 11114175; PubMed 20418530.